The following is an entry in ClinVar:

NM_177438.3(DICER1):c.1340T>C (p.Phe447Ser)

Gene: DICER1 (dicer 1, ribonuclease III; minus strand). Cytogenetic location: 14q32.13.
Variant type: single nucleotide variant.
Coding change: c.1340T>C on transcript NM_177438.3 (MANE Select); coding-DNA position 1340, T replaced by C.
Protein change: p.Phe447Ser; replaces phenylalanine 447 with serine.
Molecular consequence: missense variant.
Genome position (GRCh38, 1-based): chr14:95,124,232, A>G on the plus strand (T>C on the coding strand, the complement: DICER1 is on the minus strand). VCF-style: chr14-95124232-A-G. GRCh37 (hg19) VCF-style: chr14-95590569-A-G.
Other names: c.1340T>C, p.Phe447Ser (NM_001195573.1, NM_001271282.3, NM_001291628.2 and 1 more transcripts); short protein forms F447S.
Identifiers: ClinVar variation 1027225 (VCV001027225.10), dbSNP rs1893186876, ClinGen allele CA390886187.

ClinVar aggregate classification (germline): Uncertain significance (1 of 4 stars; one submission).

Conditions:
DICER1-related tumor predisposition. Also called: DICER1 syndrome; DICER1-related pleuropulmonary blastoma cancer predisposition syndrome. Identifiers: Orphanet 284343, MedGen C3839822, MONDO:0100216.

Submission:

Labcorp Genetics (formerly Invitae), Labcorp
Classification: Uncertain significance for DICER1-related tumor predisposition. Last evaluated: 2020-06-18. Review status: criteria provided, single submitter. Criteria: Invitae Variant Classification Sherloc (09022015). Collection method: clinical testing. Allele origin: germline.
Comment: Algorithms developed to predict the effect of missense changes on protein structure and function (SIFT, PolyPhen-2, Align-GVGD) all suggest that this variant is likely to be disruptive, but these predictions have not been confirmed by published functional studies and their clinical significance is uncertain. This variant has not been reported in the literature in individuals with DICER1-related conditions. This variant is not present in population databases (ExAC no frequency). This sequence change replaces phenylalanine with serine at codon 447 of the DICER1 protein (p.Phe447Ser). The phenylalanine residue is highly conserved and there is a large physicochemical difference between phenylalanine and serine. In summary, the available evidence is currently insufficient to determine the role of this variant in disease. Therefore, it has been classified as a Variant of Uncertain Significance.